The following is an entry in ClinVar:

NM_015354.3(NUP188):c.837C>T (p.Ile279=)

Gene: NUP188 (nucleoporin 188; plus strand). Cytogenetic location: 9q34.11.
Variant type: single nucleotide variant.
Coding change: c.837C>T on transcript NM_015354.3 (MANE Select); coding-DNA position 837, C replaced by T.
Protein change: p.Ile279=; no amino-acid change (isoleucine 279 retained).
Molecular consequence: synonymous variant.
Genome position (GRCh38, 1-based): chr9:128,969,439, C>T. VCF-style: chr9-128969439-C-T. GRCh37 (hg19) VCF-style: chr9-131731718-C-T.
Identifiers: ClinVar variation 3040531 (VCV003040531.2), dbSNP rs17452414, ClinGen allele CA5272135.
Genomic context (GRCh38, chr9:128,969,439, plus strand): 5'-TGATACTATTTTTCTTTCTAGCTACTTCAGTGCCCTCATCCTGGTGGAGGGCATGGATAT[C>T]GAGTCCTTGCATAAGTGTGCTTTGGATGACAGAAGAGAACTGCATCAGTTTGCGCAGGAT-3'
Protein context (NP_056169.1, residues 269-289): SALILVEGMD[Ile279=]ESLHKCALDD

ClinVar aggregate classification (germline): Benign (0 of 4 stars; one submission).

Conditions:
NUP188-related disorder. Also called: NUP188-related condition.

Allele frequency attached by ClinVar (database versions not stated): ESP Exome Variant Server 0.00100; TOPMed 0.00241; gnomAD 0.00326; ExAC 0.00619; 1000 Genomes Project 30x 0.01546; 1000 Genomes Project 0.01777.
gnomAD v4.1: 5,515 of 1,610,492 alleles (0.34%); highest among the groups gnomAD compares: East Asian, 5.7%; 158 homozygotes.

Submission:

PreventionGenetics, part of Exact Sciences
Classification: Benign for NUP188-related condition. Last evaluated: 2019-02-26. Review status: no assertion criteria provided. Collection method: clinical testing. Allele origin: germline.
Comment: This variant is classified as benign based on ACMG/AMP sequence variant interpretation guidelines (Richards et al. 2015 PMID: 25741868, with internal and published modifications).